The following is an entry in ClinVar:

ClinVar aggregate classification (germline): Pathogenic/Likely pathogenic. Review status: criteria provided, multiple submitters, no conflicts (2 of 4 stars). 3 submissions from 3 submitters: Pathogenic (2); Likely pathogenic (1). Last evaluated 2026-01-18.

Conditions:
Hypophosphatasia. Also called: Phosphoethanol-aminuria. Identifiers: Orphanet 436, MedGen C0020630, MeSH D007014, MONDO:0018570.

Allele frequency attached by ClinVar (database versions not stated): gnomAD exomes below 0.00001.
gnomAD v4.1: 1 of 1,613,352 alleles (0.000062%); highest among the groups gnomAD compares: Non-Finnish European, 0.000085%; no homozygotes.

Submissions (3):

Labcorp Genetics (formerly Invitae), Labcorp
Classification: Pathogenic. Last evaluated: 2026-01-18. Review status: criteria provided, single submitter. Criteria: Invitae Variant Classification Sherloc (09022015). Collection method: clinical testing. Allele origin: germline.
Comment: This sequence change replaces threonine, which is neutral and polar, with isoleucine, which is neutral and non-polar, at codon 148 of the ALPL protein (p.Thr148Ile). This variant is not present in population databases (gnomAD no frequency). This missense change has been observed in individual(s) with hypophosphatasia (PMID: 12815606, 28127875, 29236161, 30508901, 32160374). This variant is also known as T131I. ClinVar contains an entry for this variant (Variation ID: 2733839). Invitae Evidence Modeling of protein sequence and biophysical properties (such as structural, functional, and spatial information, amino acid conservation, physicochemical variation, residue mobility, and thermodynamic stability) indicates that this missense variant is expected to disrupt ALPL protein function with a positive predictive value of 95%. Experimental studies have shown that this missense change affects ALPL function (PMID: 32160374). For these reasons, this variant has been classified as Pathogenic.

Genomenon, Inc
Classification: Pathogenic for Hypophosphatasia. Last evaluated: 2025-08-29. Review status: criteria provided, single submitter. Criteria: Genomenon Sequence Variant Interpretation Standards. Collection method: curation. Allele origin: germline. Affected: yes.
Comment: ALPL c.443C>T is a missense variant that changes the amino acid at residue 148 from Threonine to Isoleucine. This variant has been observed in at least one proband affected with hypophosphatasia (PMID:29236161;26783040;30508901;12815606). At least one functional study has demonstrated a substantial alteration in protein function relative to the wild-type (PMID:32160374). This variant is also described as Thr131Ile in the literature. It is absent or not present at a significant frequency in gnomAD. In silico models agree that this variant is possibly or probably damaging. In conclusion, we classify ALPL p.Thr148Ile (c.443C>T) as a pathogenic variant.

GeneDx
Classification: Likely pathogenic. Last evaluated: 2024-11-27. Review status: criteria provided, single submitter. Criteria: GeneDx Variant Classification Process June 2021. Collection method: clinical testing. Allele origin: germline. Affected: yes.
Comment: Published functional studies demonstrate a damaging effect on enzyme activity (PMID: 32160374); In silico analysis indicates that this missense variant does not alter protein structure/function; Not observed at significant frequency in large population cohorts (gnomAD); This variant is associated with the following publications: (PMID: 35320273, 33844893, 32160374, 26783040, 30508901, 12815606, 28127875, 29236161)

Literature cited by the submitters: PubMed 12815606 (cited by Labcorp Genetics (formerly Invitae), Labcorp and Genomenon, Inc); PubMed 28127875 (cited by Labcorp Genetics (formerly Invitae), Labcorp); PubMed 29236161 (cited by Labcorp Genetics (formerly Invitae), Labcorp and Genomenon, Inc); PubMed 30508901 (cited by Labcorp Genetics (formerly Invitae), Labcorp and Genomenon, Inc); PubMed 32160374 (cited by Labcorp Genetics (formerly Invitae), Labcorp and Genomenon, Inc); PubMed 26783040 (cited by Genomenon, Inc).

NM_000478.6(ALPL):c.443C>T (p.Thr148Ile)

Gene: ALPL (alkaline phosphatase, biomineralization associated; plus strand). Cytogenetic location: 1p36.12.
Variant type: single nucleotide variant.
Coding change: c.443C>T on transcript NM_000478.6 (MANE Select); coding-DNA position 443, C replaced by T.
Protein change: p.Thr148Ile; replaces threonine 148 with isoleucine.
Molecular consequence: missense variant.
Genome position (GRCh38, 1-based): chr1:21,563,255, C>T. VCF-style: chr1-21563255-C-T. GRCh37 (hg19) VCF-style: chr1-21889748-C-T.
Other names: c.278C>T, p.Thr93Ile (NM_001127501.4); c.212C>T, p.Thr71Ile (NM_001177520.3); c.443C>T, p.Thr148Ile (NM_001369803.2, NM_001369804.2, NM_001369805.2); c.443C>T (NM_000478.4); short protein forms T148I, T93I, T71I.
Identifiers: ClinVar variation 2733839 (VCV002733839.5), dbSNP rs1376937780, ClinGen allele CA338877347.
Genomic context (GRCh38, chr1:21,563,255, plus strand): 5'-TGGGGGTAAGCGCAGCCACTGAGCGTTCCCGGTGCAACACCACCCAGGGGAACGAGGTCA[C>T]CTCCATCCTGCGCTGGGCCAAGGACGCTGGTGAGTCGGGGGAGCAGTGGGGAGCAGGGCC-3'
Protein context (NP_000469.3, residues 138-158): RCNTTQGNEV[Thr148Ile]SILRWAKDAG